The following is an entry in ClinVar:

NM_001563.4(IMPG1):c.2292G>T (p.Lys764Asn)

Gene: IMPG1 (interphotoreceptor matrix proteoglycan 1; minus strand). Cytogenetic location: 6q14.1.
Variant type: single nucleotide variant.
Coding change: c.2292G>T on transcript NM_001563.4 (MANE Select); coding-DNA position 2292, G replaced by T.
Protein change: p.Lys764Asn; replaces lysine 764 with asparagine.
Molecular consequence: missense variant.
Genome position (GRCh38, 1-based): chr6:75,923,658, C>A on the plus strand (G>T on the coding strand, the complement: IMPG1 is on the minus strand). VCF-style: chr6-75923658-C-A. GRCh37 (hg19) VCF-style: chr6-76633375-C-A.
Other names: c.2058G>T, p.Lys686Asn (NM_001282368.2); c.2292G>T (NM_001563.3); short protein forms K686N, K764N.
Identifiers: ClinVar variation 1058155 (VCV001058155.8), dbSNP rs529799646, ClinGen allele CA3897872.

ClinVar aggregate classification (germline): Uncertain significance. Review status: criteria provided, multiple submitters, no conflicts (2 of 4 stars). 2 submissions from 2 submitters: Uncertain significance (2). Last evaluated 2026-04-23.

Conditions:
IMPG1-related disorder. Also called: IMPG1-related condition.

Allele frequency attached by ClinVar (database versions not stated): 1000 Genomes Project 0.00020; 1000 Genomes Project 30x 0.00031.
gnomAD v4.1: 12 of 1,587,798 alleles (0.00076%); highest among the groups gnomAD compares: African/African-American, 0.016%; no homozygotes.

Submissions (2):

PreventionGenetics, part of Exact Sciences
Classification: Uncertain significance for IMPG1-related condition. Last evaluated: 2026-04-23. Review status: criteria provided, single submitter. Criteria: ACMG Guidelines, 2015. Collection method: clinical testing. Allele origin: germline.
Comment: The IMPG1 c.2292G>T variant is predicted to result in the amino acid substitution p.Lys764Asn. To our knowledge, this variant has not been reported in the literature. This variant is reported in 0.028% of alleles in individuals of African descent in gnomAD. At this time, the clinical significance of this variant is uncertain due to the absence of conclusive functional and genetic evidence.

Labcorp Genetics (formerly Invitae), Labcorp
Classification: Uncertain significance. Last evaluated: 2024-06-05. Review status: criteria provided, single submitter. Criteria: Invitae Variant Classification Sherloc (09022015). Collection method: clinical testing. Allele origin: germline.
Comment: This sequence change replaces lysine, which is basic and polar, with asparagine, which is neutral and polar, at codon 764 of the IMPG1 protein (p.Lys764Asn). This variant is present in population databases (rs529799646, gnomAD 0.03%). This variant has not been reported in the literature in individuals affected with IMPG1-related conditions. ClinVar contains an entry for this variant (Variation ID: 1058155). Algorithms developed to predict the effect of missense changes on protein structure and function output the following: SIFT: "Not Available"; PolyPhen-2: "Benign"; Align-GVGD: "Not Available". The asparagine amino acid residue is found in multiple mammalian species, which suggests that this missense change does not adversely affect protein function. In summary, the available evidence is currently insufficient to determine the role of this variant in disease. Therefore, it has been classified as a Variant of Uncertain Significance.